The following is an entry in ClinVar:

NM_004963.4(GUCY2C):c.2251C>G (p.Leu751Val)

Gene: GUCY2C (guanylate cyclase 2C; minus strand). Cytogenetic location: 12p12.3.
Variant type: single nucleotide variant.
Coding change: c.2251C>G on transcript NM_004963.4 (MANE Select); coding-DNA position 2251, C replaced by G.
Protein change: p.Leu751Val; replaces leucine 751 with valine.
Molecular consequence: missense variant.
Genome position (GRCh38, 1-based): chr12:14,625,914, G>C on the plus strand (C>G on the coding strand, the complement: GUCY2C is on the minus strand). VCF-style: chr12-14625914-G-C. GRCh37 (hg19) VCF-style: chr12-14778848-G-C.
Other names: short protein forms L751V.
Identifiers: ClinVar variation 718878 (VCV000718878.18), dbSNP rs191777682, ClinGen allele CA6463107.

ClinVar aggregate classification (germline): Benign/Likely benign. Review status: criteria provided, multiple submitters, no conflicts (2 of 4 stars). 4 submissions from 4 submitters: Benign (2); Likely benign (1). 1 of the submissions does not count toward it. Last evaluated 2026-02-01.

Conditions:
GUCY2C-related disorder. Also called: GUCY2C-related condition.

Allele frequency attached by ClinVar (database versions not stated): 1000 Genomes Project 0.00060; 1000 Genomes Project 30x 0.00078; TOPMed 0.00095.
gnomAD v4.1: 648 of 1,597,198 alleles (0.041%); highest among the groups gnomAD compares: Admixed American, 1.1%; 5 homozygotes.

Submissions (4):

Labcorp Genetics (formerly Invitae), Labcorp
Classification: Benign. Last evaluated: 2026-02-01. Review status: criteria provided, single submitter. Criteria: Invitae Variant Classification Sherloc (09022015). Collection method: clinical testing. Allele origin: germline.

CeGaT Center for Human Genetics Tuebingen
Classification: Likely benign. Last evaluated: 2025-10-01. Review status: criteria provided, single submitter. Criteria: CeGaT Center For Human Genetics Tuebingen Variant Classification Criteria Version 2. Collection method: clinical testing. Allele origin: germline. Affected: yes. Observed: 1 variant allele.
Comment: GUCY2C: BP4, BS1

Breakthrough Genomics
Classification: Benign. Review status: criteria provided, single submitter. Criteria: ACMG Guidelines, 2015. Collection method: not provided. Allele origin: germline. Inheritance: Autosomal recessive inheritance. Affected: yes.

PreventionGenetics, part of Exact Sciences
Classification: Likely benign for GUCY2C-related condition. Last evaluated: 2020-12-08. Review status: no assertion criteria provided. Collection method: clinical testing. Allele origin: germline. Not counted in ClinVar's aggregate classification.
Comment: This variant is classified as likely benign based on ACMG/AMP sequence variant interpretation guidelines (Richards et al. 2015 PMID: 25741868, with internal and published modifications).